The following is an entry in ClinVar:

ClinVar aggregate classification (germline): Benign (1 of 4 stars; one submission).

Conditions:
Familial cancer of breast. Also called: hereditary breast carcinoma; Hereditary breast cancer; BREAST CANCER, FAMILIAL. Identifiers: Orphanet 227535, MedGen C0346153, MONDO:0016419, OMIM 114480. Disease mechanism: loss of function.

Submission:

Myriad Genetics, Inc.
Classification: Benign for Familial cancer of breast. Last evaluated: 2024-08-21. Review status: criteria provided, single submitter. Criteria: Myriad Autosomal Dominant, Autosomal Recessive and X-Linked Classification Criteria (2023). Collection method: clinical testing. Allele origin: unknown.
Comment: This variant is considered benign. This variant is a silent/synonymous amino acid change and it is not expected to impact splicing.

NM_032043.3(BRIP1):c.498T>A (p.Thr166=)

Gene: BRIP1 (BRCA1 interacting DNA helicase 1; minus strand). Cytogenetic location: 17q23.2.
Variant type: single nucleotide variant.
Coding change: c.498T>A on transcript NM_032043.3 (MANE Select); coding-DNA position 498, T replaced by A.
Protein change: p.Thr166=; no amino-acid change (threonine 166 retained).
Molecular consequence: synonymous variant.
Genome position (GRCh38, 1-based): chr17:61,849,138, A>T on the plus strand (T>A on the coding strand, the complement: BRIP1 is on the minus strand). VCF-style: chr17-61849138-A-T. GRCh37 (hg19) VCF-style: chr17-59926499-A-T.
Identifiers: ClinVar variation 3379044 (VCV003379044.1).